The following is an entry in ClinVar:

ClinVar aggregate classification (germline): Pathogenic. Review status: criteria provided, multiple submitters, no conflicts (2 of 4 stars). 3 submissions from 3 submitters: Pathogenic (3). Last evaluated 2025-09-24.

Conditions:
Developmental and epileptic encephalopathy, 2 (DEE2). Also called: INFANTILE SPASM SYNDROME, X-LINKED 2; CDKL5 deficiency disorder. Identifiers: Orphanet 1934, Orphanet 3451, Orphanet 505652, MedGen C4750718, MONDO:0010396, OMIM 300672.
Angelman syndrome-like. Identifiers: MedGen CN128785.

Submissions (3):

Genesolutions, Medical Genetics Institutes, Ho Chi Minh City, Vietnam
Classification: Pathogenic for Developmental and epileptic encephalopathy, 2. Last evaluated: 2025-09-24. Review status: criteria provided, single submitter. Criteria: ACMG Guidelines, 2015. Collection method: clinical testing. Allele origin: germline. Affected: yes.

3billion
Classification: Pathogenic for Developmental and epileptic encephalopathy, 2. Last evaluated: 2025-07-21. Review status: criteria provided, single submitter. Criteria: ACMG Guidelines, 2015. Collection method: clinical testing. Allele origin: germline. Affected: yes.
Comment: The variant is not observed in the gnomAD v4.1.0 dataset. Predicted Consequence/Location: Missense variant In silico tool predictions suggest damaging effect of the variant on gene or gene product [REVEL: 0.74 (>=0.6, sensitivity 0.68 and specificity 0.92); 3Cnet: 0.91 (> 0.75, sensitivity 0.96 and precision 0.92)]. The same nucleotide change resulting in the same amino acid change has been previously reported to be associated with CDKL5-related disorder (ClinVar ID: VCV002159555 /PMID: 30182498). The variant has been previously reported as assumed (i.e. paternity and maternity not confirmed) de novo in at least two similarly affected unrelated individuals (PMID: 30182498, 30776697). Different missense changes at the same codon (p.Arg178Gln, p.Arg178Gly, p.Arg178Pro, p.Arg178Trp) have been reported as pathogenic/likely pathogenic with strong evidence (ClinVar ID: VCV000018450, VCV000094113, VCV000143823, VCV001071237 /PMID: 18809835, 19793311, 21770923 /3billion dataset). Therefore, this variant is classified as Pathogenic according to the recommendation of ACMG/AMP guideline.

Labcorp Genetics (formerly Invitae), Labcorp
Classification: Pathogenic for Developmental and epileptic encephalopathy, 2; Angelman syndrome-like. Last evaluated: 2022-10-13. Review status: criteria provided, single submitter. Criteria: Invitae Variant Classification Sherloc (09022015). Collection method: clinical testing. Allele origin: germline.
Comment: This sequence change replaces arginine, which is basic and polar, with leucine, which is neutral and non-polar, at codon 178 of the CDKL5 protein (p.Arg178Leu). This variant is not present in population databases (gnomAD no frequency). This missense change has been observed in individual(s) with clinical features of CDKL5-related conditions (PMID: 30182498, 30776697, 31031587). In at least one individual the variant was observed to be de novo. Advanced modeling of protein sequence and biophysical properties (such as structural, functional, and spatial information, amino acid conservation, physicochemical variation, residue mobility, and thermodynamic stability) performed at Invitae indicates that this missense variant is expected to disrupt CDKL5 protein function. For these reasons, this variant has been classified as Pathogenic.

Literature cited by the submitters: PubMed 30182498 (cited by 3billion and Labcorp Genetics (formerly Invitae), Labcorp); PubMed 18809835 (cited by 3billion); PubMed 30776697 (cited by 3billion and Labcorp Genetics (formerly Invitae), Labcorp); PubMed 31031587 (cited by Labcorp Genetics (formerly Invitae), Labcorp).

NM_001323289.2(CDKL5):c.533G>T (p.Arg178Leu)

Gene: CDKL5 (cyclin dependent kinase like 5; plus strand). Cytogenetic location: Xp22.13.
Variant type: single nucleotide variant.
Coding change: c.533G>T on transcript NM_001323289.2 (MANE Select); coding-DNA position 533, G replaced by T.
Protein change: p.Arg178Leu; replaces arginine 178 with leucine.
Molecular consequence: missense variant.
Genome position (GRCh38, 1-based): chrX:18,584,332, G>T. VCF-style: chrX-18584332-G-T. GRCh37 (hg19) VCF-style: chrX-18602452-G-T.
Other names: c.533G>T, p.Arg178Leu (NM_001037343.2, NM_003159.3); short protein forms R178L.
Identifiers: ClinVar variation 2159555 (VCV002159555.6), dbSNP rs267606715, ClinGen allele CA412352495.